The following is an entry in ClinVar:

NM_206933.4(USH2A):c.6225G>T (p.Trp2075Cys)

Gene: USH2A (usherin; minus strand). Cytogenetic location: 1q41.
Variant type: single nucleotide variant.
Coding change: c.6225G>T on transcript NM_206933.4 (MANE Select); coding-DNA position 6225, G replaced by T.
Protein change: p.Trp2075Cys; replaces tryptophan 2075 with cysteine.
Molecular consequence: missense variant.
Genome position (GRCh38, 1-based): chr1:216,046,531, C>A on the plus strand (G>T on the coding strand, the complement: USH2A is on the minus strand). VCF-style: chr1-216046531-C-A. GRCh37 (hg19) VCF-style: chr1-216219873-C-A.
Other names: c.6225G>T (NM_206933.2); short protein forms W2075C.
Identifiers: ClinVar variation 999830 (VCV000999830.15), dbSNP rs1553294134, ClinGen allele CA344858999.

ClinVar aggregate classification (germline): Conflicting classifications of pathogenicity. Review status: criteria provided, conflicting classifications (1 of 4 stars). 6 submissions from 6 submitters: Pathogenic (1); Likely pathogenic (3); Uncertain significance (2). Last evaluated 2025-07-11.

Conditions:
Retinitis pigmentosa 39 (RP39). Identifiers: Orphanet 791, MedGen C3151138, MONDO:0013436, OMIM 613809.
Usher syndrome type 2A. Also called: RETINAL DISEASE IN USHER SYNDROME TYPE IIA, MODIFIER OF; USHER SYNDROME, TYPE IIA. Identifiers: Orphanet 231178, Orphanet 886, MedGen C1848634, MONDO:0010169, OMIM 276901.

Submissions (6):

Women's Health and Genetics/Laboratory Corporation of America, LabCorp
Classification: Uncertain significance. Last evaluated: 2025-07-11. Review status: criteria provided, single submitter. Criteria: LabCorp Variant Classification Summary - May 2015. Collection method: clinical testing. Allele origin: germline.
Comment: Variant summary: USH2A c.6225G>T (p.Trp2075Cys) results in a non-conservative amino acid change located in the Fibronectin type III domain (IPR003961) of the encoded protein sequence. Algorithms developed to predict the effect of missense changes on protein structure and function all suggest that this variant is likely to be disruptive. The variant was absent in 251206 control chromosomes (gnomAD). c.6225G>T has been reported in the literature in individuals affected with Usher Syndrome (example, Bonnet_2016, Calzetti_2018, internal data). These data indicate that the variant may be associated with disease. To our knowledge, no experimental evidence demonstrating an impact on protein function has been reported. The following publications have been ascertained in the context of this evaluation (PMID: 27460420, 29953849, 36034145). ClinVar contains an entry for this variant (Variation ID: 999830). Based on the evidence outlined above, the variant was classified as VUS-possibly pathogenic.

Natera, Inc.
Classification: Likely pathogenic for Usher syndrome type 2A. Last evaluated: 2024-10-17. Review status: criteria provided, single submitter. Criteria: Natera Variant Classification Schema (03/2026). Collection method: clinical testing. Allele origin: germline.
Comment: The c.6225G>T variant in USH2A is a missense variant predicted to cause substitution of tryptophan to cysteine at amino acid 2075. This variant is rare in the general population with a frequency below the threshold expected for the associated phenotype(s). This variant has been observed in one or more individuals affected with the associated recessive disease, as either homozygous or compound heterozygous with a second variant (PMID: 29953849, 27460420). Computational prediction algorithms indicate this variant is likely to affect gene or protein function. Given the available evidence, this variant is classified as Likely Pathogenic.

Fulgent Genetics
Classification: Likely pathogenic for Usher syndrome type 2A; Retinitis pigmentosa 39. Last evaluated: 2024-06-23. Review status: criteria provided, single submitter. Criteria: ACMG Guidelines, 2015. Collection method: clinical testing. Allele origin: germline.

Baylor Genetics
Classification: Likely pathogenic for Retinitis pigmentosa 39. Last evaluated: 2024-03-06. Review status: criteria provided, single submitter. Criteria: ACMG Guidelines, 2015. Collection method: clinical testing. Allele origin: unknown.

Labcorp Genetics (formerly Invitae), Labcorp
Classification: Pathogenic. Last evaluated: 2023-09-08. Review status: criteria provided, single submitter. Criteria: Invitae Variant Classification Sherloc (09022015). Collection method: clinical testing. Allele origin: germline.
Comment: This sequence change replaces tryptophan, which is neutral and slightly polar, with cysteine, which is neutral and slightly polar, at codon 2075 of the USH2A protein (p.Trp2075Cys). This variant is not present in population databases (gnomAD no frequency). This missense change has been observed in individual(s) with clinical features of USH2A-related conditions (PMID: 27460420, 29953849; Invitae). ClinVar contains an entry for this variant (Variation ID: 999830). Advanced modeling of protein sequence and biophysical properties (such as structural, functional, and spatial information, amino acid conservation, physicochemical variation, residue mobility, and thermodynamic stability) performed at Invitae indicates that this missense variant is expected to disrupt USH2A protein function. Algorithms developed to predict the effect of sequence changes on RNA splicing suggest that this variant may disrupt the consensus splice site. For these reasons, this variant has been classified as Pathogenic.

Blueprint Genetics
Classification: Uncertain significance. Last evaluated: 2019-09-11. Review status: criteria provided, single submitter. Criteria: ACMG Guidelines, 2015. Collection method: clinical testing. Allele origin: germline.

Literature cited by the submitters: PubMed 29953849 (cited by 3 submitters); PubMed 27460420 (cited by 3 submitters); PubMed 36034145 (cited by Women's Health and Genetics/Laboratory Corporation of America, LabCorp).